The following is an entry in ClinVar:

NM_198529.4(EFCAB5):c.3009C>A (p.Thr1003=)

Gene: EFCAB5 (EF-hand calcium binding domain 5; plus strand). Cytogenetic location: 17q11.2.
Variant type: single nucleotide variant.
Coding change: c.3009C>A on transcript NM_198529.4 (MANE Select); coding-DNA position 3009, C replaced by A.
Protein change: p.Thr1003=; no amino-acid change (threonine 1003 retained).
Molecular consequence: synonymous variant.
Genome position (GRCh38, 1-based): chr17:30,078,486, C>A. VCF-style: chr17-30078486-C-A. GRCh37 (hg19) VCF-style: chr17-28405504-C-A.
Identifiers: ClinVar variation 3052291 (VCV003052291.2), dbSNP rs144428075, ClinGen allele CA8479147.

ClinVar aggregate classification (germline): Likely benign (0 of 4 stars; one submission).

Conditions:
EFCAB5-related disorder. Also called: EFCAB5-related condition.

Allele frequency attached by ClinVar (database versions not stated): ESP Exome Variant Server 0.00008; 1000 Genomes Project 0.00020; 1000 Genomes Project 30x 0.00031.
gnomAD v4.1: 32 of 1,597,274 alleles (0.002%); highest among the groups gnomAD compares: African/African-American, 0.039%; no homozygotes.

Submission:

PreventionGenetics, part of Exact Sciences
Classification: Likely benign for EFCAB5-related condition. Last evaluated: 2020-01-06. Review status: no assertion criteria provided. Collection method: clinical testing. Allele origin: germline.
Comment: This variant is classified as likely benign based on ACMG/AMP sequence variant interpretation guidelines (Richards et al. 2015 PMID: 25741868, with internal and published modifications).